The following is an entry in ClinVar:

NM_001244710.2(GFPT1):c.350-3T>C

Gene: GFPT1 (glutamine--fructose-6-phosphate transaminase 1; minus strand). Cytogenetic location: 2p13.3.
Variant type: single nucleotide variant.
Coding change: c.350-3T>C on transcript NM_001244710.2 (MANE Select); 3 bases into the intron before coding-DNA position 350, T replaced by C.
Molecular consequence: intron variant.
Genome position (GRCh38, 1-based): chr2:69,359,329, A>G on the plus strand (T>C on the coding strand, the complement: GFPT1 is on the minus strand). VCF-style: chr2-69359329-A-G. GRCh37 (hg19) VCF-style: chr2-69586461-A-G.
Other names: c.350-3T>C (NM_002056.4).
Identifiers: ClinVar variation 2197509 (VCV002197509.4), dbSNP rs1671414851, ClinGen allele CA1031907260.

ClinVar aggregate classification (germline): Uncertain significance (1 of 4 stars; one submission).

Conditions:
Congenital myasthenic syndrome 12 (CMS12). Also called: MYASTHENIC SYNDROME, CONGENITAL, WITH TUBULAR AGGREGATES 1; Myasthenia, congenital, 12, with tubular aggregates. Identifiers: Orphanet 353327, Orphanet 590, MedGen C3552335, MONDO:0012518, OMIM 610542.

Allele frequency attached by ClinVar (database versions not stated): gnomAD exomes below 0.00001; gnomAD 0.00001; TOPMed 0.00001.
gnomAD v4.1: 4 of 1,512,106 alleles (0.00026%); highest among the groups gnomAD compares: Non-Finnish European, 0.00037%; no homozygotes.

Submission:

Labcorp Genetics (formerly Invitae), Labcorp
Classification: Uncertain significance for Congenital myasthenic syndrome 12. Last evaluated: 2022-07-06. Review status: criteria provided, single submitter. Criteria: Invitae Variant Classification Sherloc (09022015). Collection method: clinical testing. Allele origin: germline.
Comment: In summary, the available evidence is currently insufficient to determine the role of this variant in disease. Therefore, it has been classified as a Variant of Uncertain Significance. Variants that disrupt the consensus splice site are a relatively common cause of aberrant splicing (PMID: 17576681, 9536098). Algorithms developed to predict the effect of sequence changes on RNA splicing suggest that this variant is not likely to affect RNA splicing. This variant has not been reported in the literature in individuals affected with GFPT1-related conditions. This variant is not present in population databases (gnomAD no frequency). This sequence change falls in intron 4 of the GFPT1 gene. It does not directly change the encoded amino acid sequence of the GFPT1 protein. It affects a nucleotide within the consensus splice site.

Literature cited by the submitters: PubMed 17576681; PubMed 9536098.